The following is an entry in ClinVar:

ClinVar aggregate classification (germline): Uncertain significance. Review status: criteria provided, multiple submitters, no conflicts (2 of 4 stars). 5 submissions from 5 submitters: Uncertain significance (4). 1 of the submissions does not count toward it. Last evaluated 2025-11-05.

Conditions:
Inborn genetic diseases. Identifiers: MedGen C0950123, MeSH D030342.
Retinitis pigmentosa 25 (RP25). Identifiers: Orphanet 791, MedGen C1864446, MONDO:0011272, OMIM 602772.
EYS-related disorder. Also called: EYS-related condition.

Allele frequency attached by ClinVar (database versions not stated): gnomAD exomes 0.00001 and 0.00003; ExAC 0.00005; gnomAD 0.00017 and 0.00020; TOPMed 0.00020.
gnomAD v4.1: 38 of 1,548,424 alleles (0.0025%); highest among the groups gnomAD compares: African/African-American, 0.047%; no homozygotes.

Submissions (5):

Ambry Genetics
Classification: Uncertain significance for Inborn genetic diseases. Last evaluated: 2025-11-05. Review status: criteria provided, single submitter. Criteria: Ambry Variant Classification Scheme 2023. Collection method: clinical testing. Allele origin: germline.

PreventionGenetics, part of Exact Sciences
Classification: Uncertain significance for EYS-related condition. Last evaluated: 2025-08-29. Review status: criteria provided, single submitter. Criteria: ACMG Guidelines, 2015. Collection method: clinical testing. Allele origin: germline.
Comment: The EYS c.2470T>C variant is predicted to result in the amino acid substitution p.Cys824Arg. To our knowledge, this variant has not been reported in the literature. This variant is reported in 0.042% of alleles in individuals of African descent in gnomAD. At this time, the clinical significance of this variant is uncertain due to the absence of conclusive functional and genetic evidence.

Labcorp Genetics (formerly Invitae), Labcorp
Classification: Uncertain significance. Last evaluated: 2024-12-22. Review status: criteria provided, single submitter. Criteria: Invitae Variant Classification Sherloc (09022015). Collection method: clinical testing. Allele origin: germline.
Comment: This sequence change replaces cysteine, which is neutral and slightly polar, with arginine, which is basic and polar, at codon 824 of the EYS protein (p.Cys824Arg). This variant is present in population databases (rs761721655, gnomAD 0.04%). This variant has not been reported in the literature in individuals affected with EYS-related conditions. ClinVar contains an entry for this variant (Variation ID: 844056). Invitae Evidence Modeling of protein sequence and biophysical properties (such as structural, functional, and spatial information, amino acid conservation, physicochemical variation, residue mobility, and thermodynamic stability) indicates that this missense variant is expected to disrupt EYS protein function with a positive predictive value of 80%. In summary, the available evidence is currently insufficient to determine the role of this variant in disease. Therefore, it has been classified as a Variant of Uncertain Significance.

Blueprint Genetics
Classification: Uncertain significance. Last evaluated: 2022-02-15. Review status: criteria provided, single submitter. Criteria: ACMG Guidelines, 2015. Collection method: clinical testing. Allele origin: germline.

Natera, Inc.
Classification: Uncertain significance for Retinitis pigmentosa type 25. Last evaluated: 2021-03-24. Review status: no assertion criteria provided. Collection method: clinical testing. Allele origin: germline. Not counted in ClinVar's aggregate classification.

NM_001142800.2(EYS):c.2470T>C (p.Cys824Arg)

Gene: EYS (EGF-like photoreceptor maintenance factor; minus strand). Cytogenetic location: 6q12.
Variant type: single nucleotide variant.
Coding change: c.2470T>C on transcript NM_001142800.2 (MANE Select); coding-DNA position 2470, T replaced by C.
Protein change: p.Cys824Arg; replaces cysteine 824 with arginine.
Molecular consequence: missense variant.
Genome position (GRCh38, 1-based): chr6:64,912,655, A>G on the plus strand (T>C on the coding strand, the complement: EYS is on the minus strand). VCF-style: chr6-64912655-A-G. GRCh37 (hg19) VCF-style: chr6-65622548-A-G.
Other names: c.2470T>C, p.Cys824Arg (NM_001292009.2); short protein forms C824R.
Identifiers: ClinVar variation 844056 (VCV000844056.10), dbSNP rs761721655, ClinGen allele CA3877280.